The following is an entry in ClinVar:

NM_001367561.1(DOCK7):c.568A>G (p.Ser190Gly)

Gene: DOCK7 (dedicator of cytokinesis 7; minus strand). Cytogenetic location: 1p31.3.
Variant type: single nucleotide variant.
Coding change: c.568A>G on transcript NM_001367561.1 (MANE Select); coding-DNA position 568, A replaced by G.
Protein change: p.Ser190Gly; replaces serine 190 with glycine.
Molecular consequence: missense variant.
Genome position (GRCh38, 1-based): chr1:62,648,270, T>C on the plus strand (A>G on the coding strand, the complement: DOCK7 is on the minus strand). VCF-style: chr1-62648270-T-C. GRCh37 (hg19) VCF-style: chr1-63113941-T-C.
Other names: c.568A>G, p.Ser190Gly (NM_001271999.2, NM_001272000.2, NM_001272001.2 and 3 more transcripts); short protein forms S190G.
Identifiers: ClinVar variation 541912 (VCV000541912.8), dbSNP rs771008430, ClinGen allele CA887158.
Genomic context (GRCh38, chr1:62,648,270, plus strand): 5'-AATTGGGAAGCAAAGCATCAGGAAGTGAATTTTTCAAGTCAAAGATACTACAGGCCCAGC[T>C]ACCCCTTGGGGTATCATCTATTGACATTGAACGTCTTTTAAGGTCATCCTGTCATGCAAA-3'
Protein context (NP_001354490.1, residues 180-200): SMSIDDTPRG[Ser190Gly]WACSIFDLKN

ClinVar aggregate classification (germline): Uncertain significance. Review status: criteria provided, multiple submitters, no conflicts (2 of 4 stars). 2 submissions from 2 submitters: Uncertain significance (2). Last evaluated 2024-01-02.

Conditions:
Developmental and epileptic encephalopathy, 23 (DEE23). Also called: Epileptic encephalopathy, early infantile, 23. Identifiers: Orphanet 411986, MedGen C4014492, MONDO:0014371, OMIM 615859.

Allele frequency attached by ClinVar (database versions not stated): ExAC 0.00001; TOPMed 0.00003; gnomAD exomes 0.00004; gnomAD 0.00005.
gnomAD v4.1: 72 of 1,613,548 alleles (0.0045%); highest among the groups gnomAD compares: Admixed American, 0.012%; no homozygotes.

Submissions (2):

Fulgent Genetics
Classification: Uncertain significance for Developmental and epileptic encephalopathy, 23. Last evaluated: 2024-01-02. Review status: criteria provided, single submitter. Criteria: ACMG Guidelines, 2015. Collection method: clinical testing. Allele origin: germline.

Labcorp Genetics (formerly Invitae), Labcorp
Classification: Uncertain significance for Developmental and epileptic encephalopathy, 23. Last evaluated: 2022-06-29. Review status: criteria provided, single submitter. Criteria: Invitae Variant Classification Sherloc (09022015). Collection method: clinical testing. Allele origin: germline.
Comment: This sequence change replaces serine, which is neutral and polar, with glycine, which is neutral and non-polar, at codon 190 of the DOCK7 protein (p.Ser190Gly). This variant is present in population databases (rs771008430, gnomAD 0.008%). This variant has not been reported in the literature in individuals affected with DOCK7-related conditions. ClinVar contains an entry for this variant (Variation ID: 541912). Algorithms developed to predict the effect of missense changes on protein structure and function are either unavailable or do not agree on the potential impact of this missense change (SIFT: "Deleterious"; PolyPhen-2: "Probably Damaging"; Align-GVGD: "Class C0"). In summary, the available evidence is currently insufficient to determine the role of this variant in disease. Therefore, it has been classified as a Variant of Uncertain Significance.